The following is an entry in ClinVar:

NM_000088.4(COL1A1):c.471+32C>T

Gene: COL1A1 (collagen type I alpha 1 chain; minus strand). Cytogenetic location: 17q21.33.
Variant type: single nucleotide variant.
Coding change: c.471+32C>T on transcript NM_000088.4 (MANE Select); 32 bases into the intron after coding-DNA position 471, C replaced by T.
Molecular consequence: intron variant.
Genome position (GRCh38, 1-based): chr17:50,199,194, G>A on the plus strand (C>T on the coding strand, the complement: COL1A1 is on the minus strand). VCF-style: chr17-50199194-G-A. GRCh37 (hg19) VCF-style: chr17-48276555-G-A.
Identifiers: ClinVar variation 675184 (VCV000675184.2), dbSNP rs73987449, ClinGen allele CA8645696.
Genomic context (GRCh38, chr17:50,199,194, plus strand): 5'-TTTGAAATTATTTCAAAGTATAAAATTATGTCATCTGCCAAAAAACAAAAACAAAACAGG[G>A]GAGAGTGGACACACAAGGCCTCTCCACTTACTCCTCCGAGGCCAGGGGGTCCGGGAGGTC-3'

ClinVar aggregate classification (germline): Benign. Review status: criteria provided, multiple submitters, no conflicts (2 of 4 stars). 2 submissions from 2 submitters: Benign (2). Last evaluated 2018-06-14.

Allele frequency attached by ClinVar (database versions not stated): ESP Exome Variant Server 0.04061; gnomAD exomes 0.04087; ExAC 0.06836; gnomAD 0.07323 and 0.07550; TOPMed 0.07805; 1000 Genomes Project 30x 0.08229; 1000 Genomes Project 0.08287.
gnomAD v4.1: 51,509 of 1,436,420 alleles (3.6%); highest among the groups gnomAD compares: African/African-American, 19%; 1,969 homozygotes.

Submissions (2):

GeneDx
Classification: Benign. Last evaluated: 2018-06-14. Review status: criteria provided, single submitter. Criteria: GeneDx Variant Classification (06012015). Collection method: clinical testing. Allele origin: germline. Affected: yes.
Comment: This variant is considered likely benign or benign based on one or more of the following criteria: it is a conservative change, it occurs at a poorly conserved position in the protein, it is predicted to be benign by multiple in silico algorithms, and/or has population frequency not consistent with disease.

Breakthrough Genomics
Classification: Benign. Review status: criteria provided, single submitter. Criteria: ACMG Guidelines, 2015. Collection method: not provided. Allele origin: germline. Inheritance: Autosomal dominant inheritance. Affected: yes.